The following is an entry in ClinVar:

NM_001061.7(TBXAS1):c.722G>A (p.Arg241Gln)

Gene: TBXAS1 (thromboxane A synthase 1; plus strand). Cytogenetic location: 7q34.
Variant type: single nucleotide variant.
Coding change: c.722G>A on transcript NM_001061.7 (MANE Select); coding-DNA position 722, G replaced by A.
Protein change: p.Arg241Gln; replaces arginine 241 with glutamine.
Molecular consequence: missense variant.
Genome position (GRCh38, 1-based): chr7:139,957,667, G>A. VCF-style: chr7-139957667-G-A. GRCh37 (hg19) VCF-style: chr7-139657466-G-A.
Other names: p.Arg241Gln; c.722G>A, p.Arg241Gln (NM_001130966.5, NM_030984.6); c.860G>A, p.Arg287Gln (NM_001166253.4); c.521G>A, p.Arg174Gln (NM_001166254.4); c.665G>A, p.Arg222Gln (NM_001314028.4); c.539G>A, p.Arg180Gln (NM_001366537.3); c.722G>A (NM_001061.6); short protein forms R180Q, R222Q, R287Q, R174Q, R241Q.
Identifiers: ClinVar variation 1351343 (VCV001351343.7), dbSNP rs568328354, ClinGen allele CA4511790.

ClinVar aggregate classification (germline): Uncertain significance. Review status: criteria provided, multiple submitters, no conflicts (2 of 4 stars). 2 submissions from 2 submitters: Uncertain significance (2). Last evaluated 2025-06-14.

Allele frequency attached by ClinVar (database versions not stated): ExAC 0.00007; TOPMed 0.00008; gnomAD 0.00010 and 0.00011; gnomAD exomes 0.00010.

Submissions (2):

Labcorp Genetics (formerly Invitae), Labcorp
Classification: Uncertain significance. Last evaluated: 2025-06-14. Review status: criteria provided, single submitter. Criteria: Invitae Variant Classification Sherloc (09022015). Collection method: clinical testing. Allele origin: germline.
Comment: This sequence change replaces arginine, which is basic and polar, with glutamine, which is neutral and polar, at codon 242 of the TBXAS1 protein (p.Arg242Gln). This variant is present in population databases (rs568328354, gnomAD 0.03%). This missense change has been observed in individual(s) with a bleeding disorder (PMID: 35295078). ClinVar contains an entry for this variant (Variation ID: 1351343). Invitae Evidence Modeling of protein sequence and biophysical properties (such as structural, functional, and spatial information, amino acid conservation, physicochemical variation, residue mobility, and thermodynamic stability) indicates that this missense variant is not expected to disrupt TBXAS1 protein function with a negative predictive value of 95%. In summary, the available evidence is currently insufficient to determine the role of this variant in disease. Therefore, it has been classified as a Variant of Uncertain Significance.

Mayo Clinic Laboratories, Mayo Clinic
Classification: Uncertain significance. Last evaluated: 2024-04-24. Review status: criteria provided, single submitter. Criteria: ACMG Guidelines, 2015. Collection method: clinical testing. Allele origin: germline. Observed: 1 variant allele.
Comment: PM1_supporting

Literature cited by the submitters: PubMed 35295078 (cited by Labcorp Genetics (formerly Invitae), Labcorp and Mayo Clinic Laboratories, Mayo Clinic); PubMed 35395429 (cited by Mayo Clinic Laboratories, Mayo Clinic).